The following is an entry in ClinVar:

NM_003664.5(AP3B1):c.1323G>A (p.Thr441=)

Gene: AP3B1 (adaptor related protein complex 3 subunit beta 1; minus strand). Cytogenetic location: 5q14.1.
Variant type: single nucleotide variant.
Coding change: c.1323G>A on transcript NM_003664.5 (MANE Select); coding-DNA position 1323, G replaced by A.
Protein change: p.Thr441=; no amino-acid change (threonine 441 retained).
Molecular consequence: synonymous variant.
Genome position (GRCh38, 1-based): chr5:78,162,859, C>T on the plus strand (G>A on the coding strand, the complement: AP3B1 is on the minus strand). VCF-style: chr5-78162859-C-T. GRCh37 (hg19) VCF-style: chr5-77458683-C-T.
Other names: c.1176G>A, p.Thr392= (NM_001271769.2); c.1323G>A, p.Thr441= (NM_001410752.1).
Identifiers: ClinVar variation 1930881 (VCV001930881.7), dbSNP rs575489317, ClinGen allele CA3317097.
Genomic context (GRCh38, chr5:78,162,859, plus strand): 5'-AAATGAAACTGTAAACTTACCATCCCTGTTGGACAGCAGACAGACCAAGCCATTGAGGCA[C>T]GTGTCAGTGACTTCCAAGATGTTGGTTGCACATCTGCCTATAGTCTGAATAGTGGCTGCT-3'
Protein context (NP_003655.3, residues 431-451): CATNILEVTD[Thr441=]CLNGLVCLLS

ClinVar aggregate classification (germline): Likely benign. Review status: criteria provided, single submitter (1 of 4 stars). 2 submissions from 2 submitters: Likely benign (1). 1 of the submissions does not count toward it. Last evaluated 2026-01-14.

Conditions:
Hermansky-Pudlak syndrome 2 (HPS2). Also called: Platelet defects and oculocutaneous albinism. Identifiers: Orphanet 183678, Orphanet 79430, MedGen C1842362, MONDO:0011997, OMIM 608233.
AP3B1-related disorder. Also called: AP3B1-related condition.

Allele frequency attached by ClinVar (database versions not stated): TOPMed below 0.00001; gnomAD 0.00004; ExAC 0.00016; 1000 Genomes Project 30x 0.00047; 1000 Genomes Project 0.00060.
gnomAD v4.1: 90 of 1,613,966 alleles (0.0056%); highest among the groups gnomAD compares: South Asian, 0.09%; no homozygotes.

Submissions (2):

Labcorp Genetics (formerly Invitae), Labcorp
Classification: Likely benign for Hermansky-Pudlak syndrome 2. Last evaluated: 2026-01-14. Review status: criteria provided, single submitter. Criteria: Invitae Variant Classification Sherloc (09022015). Collection method: clinical testing. Allele origin: germline.

PreventionGenetics, part of Exact Sciences
Classification: Likely benign for AP3B1-related condition. Last evaluated: 2024-08-21. Review status: no assertion criteria provided. Collection method: clinical testing. Allele origin: germline. Not counted in ClinVar's aggregate classification.
Comment: This variant is classified as likely benign based on ACMG/AMP sequence variant interpretation guidelines (Richards et al. 2015 PMID: 25741868, with internal and published modifications).